The following is an entry in ClinVar:

NM_182914.3(SYNE2):c.18283G>A (p.Asp6095Asn)

Gene: SYNE2 (spectrin repeat containing nuclear envelope protein 2; plus strand). Cytogenetic location: 14q23.2.
Variant type: single nucleotide variant.
Coding change: c.18283G>A on transcript NM_182914.3 (MANE Select); coding-DNA position 18283, G replaced by A.
Protein change: p.Asp6095Asn; replaces aspartic acid 6095 with asparagine.
Molecular consequence: missense variant.
Genome position (GRCh38, 1-based): chr14:64,208,839, G>A. VCF-style: chr14-64208839-G-A. GRCh37 (hg19) VCF-style: chr14-64675557-G-A.
Other names: c.18283G>A, p.Asp6095Asn (NM_015180.6); short protein forms D6095N.
Identifiers: ClinVar variation 1397834 (VCV001397834.9), dbSNP rs1018261125, ClinGen allele CA261822088.

ClinVar aggregate classification (germline): Uncertain significance. Review status: criteria provided, multiple submitters, no conflicts (2 of 4 stars). 2 submissions from 2 submitters: Uncertain significance (2). Last evaluated 2021-07-07.

Conditions:
Emery-Dreifuss muscular dystrophy 5, autosomal dominant (EDMD5). Also called: EMERY-DREIFUSS MUSCULAR DYSTROPHY 5. Identifiers: Orphanet 261, MedGen C2751805, MONDO:0013072, OMIM 612999.

Allele frequency attached by ClinVar (database versions not stated): TOPMed below 0.00001; gnomAD exomes 0.00001.
gnomAD v4.1: 13 of 1,614,094 alleles (0.00081%); highest among the groups gnomAD compares: South Asian, 0.0011%; no homozygotes.

Submissions (2):

Labcorp Genetics (formerly Invitae), Labcorp
Classification: Uncertain significance for Emery-Dreifuss muscular dystrophy 5, autosomal dominant. Last evaluated: 2021-07-07. Review status: criteria provided, single submitter. Criteria: Invitae Variant Classification Sherloc (09022015). Collection method: clinical testing. Allele origin: germline.
Comment: This variant is not present in population databases (ExAC no frequency). In summary, the available evidence is currently insufficient to determine the role of this variant in disease. Therefore, it has been classified as a Variant of Uncertain Significance. Algorithms developed to predict the effect of missense changes on protein structure and function are either unavailable or do not agree on the potential impact of this missense change (SIFT: "Deleterious"; PolyPhen-2: "Probably Damaging"; Align-GVGD: "Class C0"). This variant has not been reported in the literature in individuals affected with SYNE2-related conditions. This sequence change replaces aspartic acid with asparagine at codon 6095 of the SYNE2 protein (p.Asp6095Asn). The aspartic acid residue is moderately conserved and there is a small physicochemical difference between aspartic acid and asparagine.

Breakthrough Genomics
Classification: Uncertain significance. Review status: criteria provided, single submitter. Criteria: ACMG Guidelines, 2015. Collection method: not provided. Allele origin: germline. Inheritance: Autosomal dominant inheritance. Affected: yes.